The following is an entry in ClinVar:

NM_001148.6(ANK2):c.48C>G (p.Phe16Leu)

Gene: ANK2 (ankyrin 2; plus strand). Cytogenetic location: 4q25.
Variant type: single nucleotide variant.
Coding change: c.48C>G on transcript NM_001148.6 (MANE Select); coding-DNA position 48, C replaced by G.
Protein change: p.Phe16Leu; replaces phenylalanine 16 with leucine.
Molecular consequence: missense variant. On other transcripts: intron variant (43).
Genome position (GRCh38, 1-based): chr4:113,049,776, C>G. VCF-style: chr4-113049776-C-G. GRCh37 (hg19) VCF-style: chr4-113970932-C-G.
Other names: c.48C>G, p.Phe16Leu (NM_001354225.2, NM_001354228.2, NM_001354232.2 and 10 more transcripts); c.73-124640C>G (NM_001386186.2, NM_001386148.2, NM_001354269.3 and 1 more transcripts); c.22-101304C>G (NM_001386147.1, NM_001386160.1, NM_001354261.2); c.22-124640C>G (NM_001354254.2, NM_001354239.2, NM_001354252.2 and 33 more transcripts); short protein forms F16L.
Identifiers: ClinVar variation 2585802 (VCV002585802.2), dbSNP rs779606672, ClinGen allele CA357992740.

ClinVar aggregate classification (germline): Uncertain significance (1 of 4 stars; one submission).

Conditions:
Cardiovascular phenotype. Identifiers: MedGen CN230736.

Submission:

Ambry Genetics
Classification: Uncertain significance for Cardiovascular phenotype. Last evaluated: 2023-07-28. Review status: criteria provided, single submitter. Criteria: Ambry Variant Classification Scheme 2023. Collection method: clinical testing. Allele origin: germline.
Comment: The p.F16L variant (also known as c.48C>G), located in coding exon 1 of the ANK2 gene, results from a C to G substitution at nucleotide position 48. The phenylalanine at codon 16 is replaced by leucine, an amino acid with highly similar properties. This amino acid position is well conserved in available vertebrate species. In addition, this alteration is predicted to be tolerated by in silico analysis. Since supporting evidence is limited at this time, the clinical significance of this alteration remains unclear.